The following is an entry in ClinVar:

ClinVar aggregate classification (germline): Likely pathogenic (1 of 4 stars; one submission).

Conditions:
Auriculocondylar syndrome. Also called: Auriculo-condylar syndrome; QUESTION MARK EARS SYNDROME. Identifiers: Orphanet 137888, MedGen C1865295, MONDO:0000107.

Submission:

Women's Health and Genetics/Laboratory Corporation of America, LabCorp
Classification: Likely pathogenic for Auriculocondylar syndrome. Last evaluated: 2025-01-07. Review status: criteria provided, single submitter. Criteria: LabCorp Variant Classification Summary - May 2015. Collection method: clinical testing. Allele origin: germline.
Comment: Variant summary: The variant involves the duplication of exons 8-9 in the PLCB4 gene. A presumed nomenclature of c.(369+1_370-1)_(503+1_504-1)dup has been designated for the purposes of this classification. It is assumed to be a tandem duplication in direct orientation (PMIDs: 25640679, 30054569). This Copy Number Variant (CNV) is expected to alter the reading frame and predicted to result in a truncation or absence of the encoded protein due to nonsense mediated decay (NMD). The variant was absent in 21694 control chromosomes. To our knowledge, no occurrence of c.(369+1_370-1)_(503+1_504-1)dup in individuals affected with Auriculocondylar Syndrome and no experimental evidence demonstrating its impact on protein function have been reported. No submitters have cited clinical-significance assessments for this variant to ClinVar. Based on the evidence outlined above, the variant was classified as likely pathogenic.

NC_000020.10:g.(9319685_9343542)_(9346162_9351860)dup

Gene: PLCB4 (phospholipase C beta 4; plus strand). Cytogenetic location: 20p12.2.
Variant type: Duplication.
Identifiers: ClinVar variation 3769206 (VCV003769206.2).